The following is an entry in ClinVar:

NM_001258392.3(CLPB):c.538A>G (p.Asn180Asp)

Gene: CLPB (ClpB family mitochondrial disaggregase; minus strand). Cytogenetic location: 11q13.4.
Variant type: single nucleotide variant.
Coding change: c.538A>G on transcript NM_001258392.3 (MANE Select); coding-DNA position 538, A replaced by G.
Protein change: p.Asn180Asp; replaces asparagine 180 with aspartic acid.
Molecular consequence: missense variant. On other transcripts: intron variant (1).
Genome position (GRCh38, 1-based): chr11:72,402,970, T>C on the plus strand (A>G on the coding strand, the complement: CLPB is on the minus strand). VCF-style: chr11-72402970-T-C. GRCh37 (hg19) VCF-style: chr11-72114014-T-C.
Other names: c.538A>G (NM_030813.3); c.403A>G, p.Asn135Asp (NM_001258394.3); c.538A>G, p.Asn180Asp (NM_030813.6); c.456-22586A>G (NM_001258393.3); short protein forms N135D, N180D.
Identifiers: ClinVar variation 1981253 (VCV001981253.4), dbSNP rs768489564, ClinGen allele CA6171540.

ClinVar aggregate classification (germline): Conflicting classifications of pathogenicity. Review status: criteria provided, conflicting classifications (1 of 4 stars). 2 submissions from 2 submitters: Uncertain significance (1); Likely benign (1). Last evaluated 2025-09-28.

Conditions:
3-methylglutaconic aciduria, type VIIB (MGCA7B). Also called: 3-methylglutaconic aciduria with cataracts, neurologic involvement and neutropenia; 3-methylglutaconic aciduria, type VII, with cataracts, neurologic involvement and neutropenia; CLPB Deficiency. Identifiers: Orphanet 445038, MedGen C5676893, MONDO:0014561, OMIM 616271.
Inborn genetic diseases. Identifiers: MedGen C0950123, MeSH D030342.

Allele frequency attached by ClinVar (database versions not stated): gnomAD 0.00001; gnomAD exomes 0.00001; ExAC 0.00002; TOPMed 0.00002.
gnomAD v4.1: 18 of 1,613,822 alleles (0.0011%); highest among the groups gnomAD compares: Admixed American, 0.0017%; no homozygotes.

Submissions (2):

Labcorp Genetics (formerly Invitae), Labcorp
Classification: Uncertain significance for 3-methylglutaconic aciduria, type VIIB. Last evaluated: 2025-09-28. Review status: criteria provided, single submitter. Criteria: Invitae Variant Classification Sherloc (09022015). Collection method: clinical testing. Allele origin: germline.
Comment: This sequence change replaces asparagine, which is neutral and polar, with aspartic acid, which is acidic and polar, at codon 180 of the CLPB protein (p.Asn180Asp). This variant is present in population databases (rs768489564, gnomAD 0.004%). This variant has not been reported in the literature in individuals affected with CLPB-related conditions. ClinVar contains an entry for this variant (Variation ID: 1981253). An algorithm developed to predict the effect of missense changes on protein structure and function (PolyPhen-2) suggests that this variant is likely to be tolerated. In summary, the available evidence is currently insufficient to determine the role of this variant in disease. Therefore, it has been classified as a Variant of Uncertain Significance.

Ambry Genetics
Classification: Likely benign for Inborn genetic diseases. Last evaluated: 2025-08-24. Review status: criteria provided, single submitter. Criteria: Ambry Variant Classification Scheme 2023. Collection method: clinical testing. Allele origin: germline.